The following is an entry in ClinVar:

NM_005993.5(TBCD):c.2482A>G (p.Thr828Ala)

Gene: TBCD (tubulin folding cofactor D). Cytogenetic location: 17q25.3.
Variant type: single nucleotide variant.
Coding change: c.2482A>G on transcript NM_005993.5 (MANE Select); coding-DNA position 2482, A replaced by G.
Protein change: p.Thr828Ala; replaces threonine 828 with alanine.
Molecular consequence: missense variant.
Genome position (GRCh38, 1-based): chr17:82,927,196, A>G. VCF-style: chr17-82927196-A-G. GRCh37 (hg19) VCF-style: chr17-80885072-A-G.
Other names: c.2431A>G, p.Thr811Ala (NM_001411101.1); c.2401A>G, p.Thr801Ala (NM_001411102.1); c.2125A>G, p.Thr709Ala (NM_001437989.1); c.2293A>G, p.Thr765Ala (NM_001438250.1); short protein forms T709A, T765A, T801A, T811A, T828A.
Identifiers: ClinVar variation 4688669 (VCV004688669.1).
Genomic context (GRCh38, chr17:82,927,196, plus strand): 5'-GATGAGGCTCACCGATGTTTGTTTGTTAGCTCACACATTTTAAATTTCAGGATTTGCCAG[A>G]CTGTTGGTGTGAAAGCAGGAGCCCCAGACGAAGCTGTGTGCGGAGAGAATGTTTCCCAGA-3'
Protein context (NP_005984.3, residues 818-838): GLKAIARICQ[Thr828Ala]VGVKAGAPDE

ClinVar aggregate classification (germline): Uncertain significance (1 of 4 stars; one submission).

Submission:

Women's Health and Genetics/Laboratory Corporation of America, LabCorp
Classification: Uncertain significance. Last evaluated: 2025-12-02. Review status: criteria provided, single submitter. Criteria: LabCorp Variant Classification Summary - May 2015. Collection method: clinical testing. Allele origin: germline.
Comment: Variant summary: TBCD c.2482A>G (p.Thr828Ala) results in a non-conservative amino acid change in the encoded protein sequence. Algorithms developed to predict the effect of missense changes on protein structure and function are either unavailable or do not agree on the potential impact of this missense change. The variant was absent in 249164 control chromosomes. The available data on variant occurrences in the general population are insufficient to allow any conclusion about variant significance. To our knowledge, no occurrence of c.2482A>G in individuals affected with TBCD-related conditions and no experimental evidence demonstrating its impact on protein function have been reported. No submitters have cited clinical-significance assessments for this variant to ClinVar. Based on the evidence outlined above, the variant was classified as uncertain significance.